The following is an entry in ClinVar:

NM_001205266.2(DEFB4B):c.21C>T (p.Leu7=)

Gene: DEFB4B (defensin beta 4B). Cytogenetic location: 8p23.1.
Variant type: single nucleotide variant.
Coding change: c.21C>T on transcript NM_001205266.2 (MANE Select); coding-DNA position 21, C replaced by T.
Protein change: p.Leu7=; no amino-acid change (leucine 7 retained).
Molecular consequence: synonymous variant.
Genome position (GRCh38, 1-based): chr8:7,416,807, G>A on the plus strand (C>T on the coding strand, the complement: DEFB4B is on the minus strand). VCF-style: chr8-7416807-G-A. GRCh37 (hg19) VCF-style: chr8-7274329-G-A.
Identifiers: ClinVar variation 2658362 (VCV002658362.25), dbSNP rs529912644, ClinGen allele CA4615642.

ClinVar aggregate classification (germline): Likely benign. Review status: criteria provided, multiple submitters, no conflicts (2 of 4 stars). 2 submissions from 2 submitters: Likely benign (2). Last evaluated 2026-03-01.

Allele frequency attached by ClinVar (database versions not stated): ExAC 0.00009; 1000 Genomes Project 30x 0.00312.

Submissions (2):

CeGaT Center for Human Genetics Tuebingen
Classification: Likely benign. Last evaluated: 2026-03-01. Review status: criteria provided, single submitter. Criteria: CeGaT Center For Human Genetics Tuebingen Variant Classification Criteria Version 2. Collection method: clinical testing. Allele origin: germline. Affected: yes. Observed: 4 variant alleles.
Comment: DEFB4B: BP4, BP7

Laboratory of Genetics, Children's Clinical University Hospital Latvia
Classification: Likely benign. Last evaluated: 2025-02-16. Review status: criteria provided, single submitter. Criteria: ACMG Guidelines, 2015. Collection method: clinical testing. Allele origin: germline. Affected: yes.